The following is an entry in ClinVar:

ClinVar aggregate classification (germline): Uncertain significance (1 of 4 stars; one submission).

Conditions:
Fanconi anemia (FA). Also called: Fanconi's anemia. Identifiers: Orphanet 84, MedGen C0015625, MeSH D005199, MONDO:0019391.

Submission:

Labcorp Genetics (formerly Invitae), Labcorp
Classification: Uncertain significance for Fanconi anemia. Last evaluated: 2025-08-25. Review status: criteria provided, single submitter. Criteria: Invitae Variant Classification Sherloc (09022015). Collection method: clinical testing. Allele origin: germline.
Comment: This sequence change replaces alanine, which is neutral and non-polar, with glycine, which is neutral and non-polar, at codon 1141 of the FANCA protein (p.Ala1141Gly). This variant is not present in population databases (gnomAD no frequency). This variant has not been reported in the literature in individuals affected with FANCA-related conditions. Invitae Evidence Modeling of protein sequence and biophysical properties (such as structural, functional, and spatial information, amino acid conservation, physicochemical variation, residue mobility, and thermodynamic stability) indicates that this missense variant is not expected to disrupt FANCA protein function with a negative predictive value of 95%. In summary, the available evidence is currently insufficient to determine the role of this variant in disease. Therefore, it has been classified as a Variant of Uncertain Significance.

NM_000135.4(FANCA):c.3422C>G (p.Ala1141Gly)

Gene: FANCA (FA complementation group A; minus strand). Cytogenetic location: 16q24.3.
Variant type: single nucleotide variant.
Coding change: c.3422C>G on transcript NM_000135.4 (MANE Select); coding-DNA position 3422, C replaced by G.
Protein change: p.Ala1141Gly; replaces alanine 1141 with glycine.
Molecular consequence: missense variant.
Genome position (GRCh38, 1-based): chr16:89,746,675, G>C on the plus strand (C>G on the coding strand, the complement: FANCA is on the minus strand). VCF-style: chr16-89746675-G-C. GRCh37 (hg19) VCF-style: chr16-89813083-G-C.
Other names: c.3422C>G, p.Ala1141Gly (NM_001286167.3); short protein forms A1141G.
Identifiers: ClinVar variation 4709685 (VCV004709685.1).
Genomic context (GRCh38, chr16:89,746,675, plus strand): 5'-GTCTGGCACTTGGCCAGTATGAAGTCGACCATCAGGGAGGGGTCTCTGCTCCGCAGACAG[G>C]CGTTCAGGAGGCCCTGCAGGAGAGAACGCAGCAGGAGGTCAGCGGTTTGTGAGGACCCAC-3'
Protein context (NP_000126.2, residues 1131-1151): TAHFFRGLLN[Ala1141Gly]CLRSRDPSLM